The following is an entry in ClinVar:

ClinVar aggregate classification (germline): Pathogenic. Review status: criteria provided, single submitter (1 of 4 stars). 2 submissions from 2 submitters: Pathogenic (1). 1 of the submissions does not count toward it. Last evaluated 2023-07-27.

Conditions:
Galactosemia 4. Also called: GALACTOSEMIA IV; GALACTOSE MUTAROTASE DEFICIENCY. Identifiers: Orphanet 570422, MedGen C5394377, MONDO:0030105, OMIM 618881.

Allele frequency attached by ClinVar (database versions not stated): 1000 Genomes Project 30x 0.00016; 1000 Genomes Project 0.00020.
gnomAD v4.1: 32 of 1,613,970 alleles (0.002%); highest among the groups gnomAD compares: Admixed American, 0.02%; no homozygotes.

Submissions (2):

Labcorp Genetics (formerly Invitae), Labcorp
Classification: Pathogenic. Last evaluated: 2023-07-27. Review status: criteria provided, single submitter. Criteria: Invitae Variant Classification Sherloc (09022015). Collection method: clinical testing. Allele origin: germline.
Comment: This sequence change creates a premature translational stop signal (p.Arg82*) in the GALM gene. It is expected to result in an absent or disrupted protein product. Loss-of-function variants in GALM are known to be pathogenic (PMID: 30451973). This variant is present in population databases (rs115413295, gnomAD 0.03%). This premature translational stop signal has been observed in individual(s) with galactosemia (PMID: 30451973). ClinVar contains an entry for this variant (Variation ID: 873021). For these reasons, this variant has been classified as Pathogenic.

OMIM
Classification: Pathogenic for GALACTOSEMIA IV. Last evaluated: 2020-05-14. Review status: no assertion criteria provided. Collection method: literature only. Allele origin: germline. Not counted in ClinVar's aggregate classification.

Literature cited by the submitters: PubMed 30451973 (cited by Labcorp Genetics (formerly Invitae), Labcorp and OMIM).

NM_138801.3(GALM):c.244C>T (p.Arg82Ter)

Gene: GALM (galactose mutarotase; plus strand). Cytogenetic location: 2p22.1.
Variant type: single nucleotide variant.
Coding change: c.244C>T on transcript NM_138801.3 (MANE Select); coding-DNA position 244, C replaced by T.
Protein change: p.Arg82Ter; replaces arginine 82 with a stop codon.
Molecular consequence: nonsense.
Genome position (GRCh38, 1-based): chr2:38,675,965, C>T. VCF-style: chr2-38675965-C-T. GRCh37 (hg19) VCF-style: chr2-38903107-C-T.
Other names: short protein forms R82*.
Identifiers: ClinVar variation 873021 (VCV000873021.4), dbSNP rs115413295, ClinGen allele CA1621443.